The following is an entry in ClinVar:

NM_001171613.2(PREPL):c.1355C>T (p.Thr452Met)

Gene: PREPL (prolyl endopeptidase like; minus strand). Cytogenetic location: 2p21.
Variant type: single nucleotide variant.
Coding change: c.1355C>T on transcript NM_001171613.2 (MANE Select); coding-DNA position 1355, C replaced by T.
Protein change: p.Thr452Met; replaces threonine 452 with methionine.
Molecular consequence: missense variant.
Genome position (GRCh38, 1-based): chr2:44,326,836, G>A on the plus strand (C>T on the coding strand, the complement: PREPL is on the minus strand). VCF-style: chr2-44326836-G-A. GRCh37 (hg19) VCF-style: chr2-44553975-G-A.
Other names: c.1622C>T, p.Thr541Met (NM_006036.4, NM_001171603.1, NM_001171606.2 and 2 more transcripts); c.1436C>T, p.Thr479Met (NM_001042385.2); c.1424C>T, p.Thr475Met (NM_001042386.2); c.1355C>T, p.Thr452Met (NM_001171617.1, NM_001374277.1); short protein forms T541M, T475M, T479M, T452M.
Identifiers: ClinVar variation 859710 (VCV000859710.7), dbSNP rs774180242, ClinGen allele CA1641137.

ClinVar aggregate classification (germline): Uncertain significance (1 of 4 stars; one submission).

Conditions:
Myasthenic syndrome, congenital, 22 (CMS22). Also called: PREPL DEFICIENCY. Identifiers: MedGen C4479088, MONDO:0044299, OMIM 616224.

Allele frequency attached by ClinVar (database versions not stated): TOPMed 0.00005.
gnomAD v4.1: 89 of 1,613,982 alleles (0.0055%); highest among the groups gnomAD compares: Non-Finnish European, 0.0067%; no homozygotes.

Submission:

Labcorp Genetics (formerly Invitae), Labcorp
Classification: Uncertain significance for Myasthenic syndrome, congenital, 22. Last evaluated: 2022-07-25. Review status: criteria provided, single submitter. Criteria: Invitae Variant Classification Sherloc (09022015). Collection method: clinical testing. Allele origin: germline.
Comment: This sequence change replaces threonine, which is neutral and polar, with methionine, which is neutral and non-polar, at codon 541 of the PREPL protein (p.Thr541Met). This variant is present in population databases (rs774180242, gnomAD 0.006%). This variant has not been reported in the literature in individuals affected with PREPL-related conditions. ClinVar contains an entry for this variant (Variation ID: 859710). Algorithms developed to predict the effect of missense changes on protein structure and function output the following: SIFT: "Tolerated"; PolyPhen-2: "Benign"; Align-GVGD: "Class C0". The methionine amino acid residue is found in multiple mammalian species, which suggests that this missense change does not adversely affect protein function. In summary, the available evidence is currently insufficient to determine the role of this variant in disease. Therefore, it has been classified as a Variant of Uncertain Significance.